The following is an entry in ClinVar:

NM_001184.4(ATR):c.4840G>A (p.Val1614Ile)

Gene: ATR (ATR serine/threonine kinase; minus strand). Cytogenetic location: 3q23.
Variant type: single nucleotide variant.
Coding change: c.4840G>A on transcript NM_001184.4 (MANE Select); coding-DNA position 4840, G replaced by A.
Protein change: p.Val1614Ile; replaces valine 1614 with isoleucine.
Molecular consequence: missense variant.
Genome position (GRCh38, 1-based): chr3:142,512,272, C>T on the plus strand (G>A on the coding strand, the complement: ATR is on the minus strand). VCF-style: chr3-142512272-C-T. GRCh37 (hg19) VCF-style: chr3-142231114-C-T.
Other names: c.4648G>A, p.Val1550Ile (NM_001354579.2); short protein forms V1550I, V1614I.
Identifiers: ClinVar variation 3331980 (VCV003331980.1).

ClinVar aggregate classification (germline): Uncertain significance (1 of 4 stars; one submission).

Conditions:
Inborn genetic diseases. Identifiers: MedGen C0950123, MeSH D030342.

gnomAD v4.1: 1 of 1,606,244 alleles (0.000062%); highest among the groups gnomAD compares: Admixed American, 0.0017%; no homozygotes.

Submission:

Ambry Genetics
Classification: Uncertain significance for Inborn genetic diseases. Last evaluated: 2024-05-18. Review status: criteria provided, single submitter. Criteria: Ambry Variant Classification Scheme 2023. Collection method: clinical testing. Allele origin: germline.
Comment: The p.V1614I variant (also known as c.4840G>A), located in coding exon 27 of the ATR gene, results from a G to A substitution at nucleotide position 4840. The valine at codon 1614 is replaced by isoleucine, an amino acid with highly similar properties. This amino acid position is conserved. In addition, this alteration is predicted to be tolerated by in silico analysis. Based on the available evidence, the clinical significance of this variant remains unclear.